The following is an entry in ClinVar:

NM_001127222.2(CACNA1A):c.5258C>T (p.Thr1753Ile)

Gene: CACNA1A (calcium voltage-gated channel subunit alpha1 A; minus strand). Cytogenetic location: 19p13.13.
Variant type: single nucleotide variant.
Coding change: c.5258C>T on transcript NM_001127222.2 (MANE Select); coding-DNA position 5258, C replaced by T.
Protein change: p.Thr1753Ile; replaces threonine 1753 with isoleucine.
Molecular consequence: missense variant.
Genome position (GRCh38, 1-based): chr19:13,231,852, G>A on the plus strand (C>T on the coding strand, the complement: CACNA1A is on the minus strand). VCF-style: chr19-13231852-G-A. GRCh37 (hg19) VCF-style: chr19-13342666-G-A.
Other names: c.5276C>T, p.Thr1759Ile (NM_000068.4, NM_023035.3); c.5261C>T, p.Thr1754Ile (NM_001127221.2); c.5267C>T, p.Thr1756Ile (NM_001174080.2); short protein forms T1753I, T1754I, T1759I, T1756I.
Identifiers: ClinVar variation 4789715 (VCV004789715.1).

ClinVar aggregate classification (germline): Uncertain significance (1 of 4 stars; one submission).

Conditions:
Episodic ataxia type 2 (EA2). Also called: ACETAZOLAMIDE-RESPONSIVE HEREDITARY PAROXYSMAL CEREBELLAR ATAXIA; ATAXIA, EPISODIC, WITH NYSTAGMUS; ATAXIA, FAMILIAL PAROXYSMAL; CEREBELLAR ATAXIA, PAROXYSMAL, ACETAZOLAMIDE-RESPONSIVE; CEREBELLOPATHY, HEREDITARY PAROXYSMAL; EPISODIC ATAXIA, NYSTAGMUS-ASSOCIATED. Identifiers: Orphanet 97, MedGen C1720416, MONDO:0007163, OMIM 108500.
Developmental and epileptic encephalopathy, 42 (DEE42A). Also called: Epileptic encephalopathy, early infantile, 42; DEVELOPMENTAL AND EPILEPTIC ENCEPHALOPATHY 42A; EPILEPTIC ENCEPHALOPATHY, EARLY INFANTILE, 42A. Identifiers: MedGen C4310716, MONDO:0014917, OMIM 617106.

Submission:

Labcorp Genetics (formerly Invitae), Labcorp
Classification: Uncertain significance for Developmental and epileptic encephalopathy, 42; Episodic ataxia type 2. Last evaluated: 2025-12-30. Review status: criteria provided, single submitter. Criteria: Invitae Variant Classification Sherloc (09022015). Collection method: clinical testing. Allele origin: germline.
Comment: This sequence change replaces threonine, which is neutral and polar, with isoleucine, which is neutral and non-polar, at codon 1754 of the CACNA1A protein (p.Thr1754Ile). This variant is not present in population databases (gnomAD no frequency). This variant has not been reported in the literature in individuals affected with CACNA1A-related conditions. Invitae Evidence Modeling of protein sequence and biophysical properties (such as structural, functional, and spatial information, amino acid conservation, physicochemical variation, residue mobility, and thermodynamic stability) indicates that this missense variant is expected to disrupt CACNA1A protein function with a positive predictive value of 95%. In summary, the available evidence is currently insufficient to determine the role of this variant in disease. Therefore, it has been classified as a Variant of Uncertain Significance.